The following is an entry in ClinVar:

NM_006017.3(PROM1):c.2194T>A (p.Ser732Thr)

Gene: PROM1 (prominin 1; minus strand). Cytogenetic location: 4p15.32.
Variant type: single nucleotide variant.
Coding change: c.2194T>A on transcript NM_006017.3 (MANE Select); coding-DNA position 2194, T replaced by A.
Protein change: p.Ser732Thr; replaces serine 732 with threonine.
Molecular consequence: missense variant.
Genome position (GRCh38, 1-based): chr4:15,985,974, A>T on the plus strand (T>A on the coding strand, the complement: PROM1 is on the minus strand). VCF-style: chr4-15985974-A-T. GRCh37 (hg19) VCF-style: chr4-15987597-A-T.
Other names: c.2167T>A, p.Ser723Thr (NM_001145847.2, NM_001145848.2, NM_001145851.2 and 4 more transcripts); c.2194T>A, p.Ser732Thr (NM_001145849.2, NM_001145850.2); short protein forms S732T, S723T.
Identifiers: ClinVar variation 2015432 (VCV002015432.4), dbSNP rs1463403421, ClinGen allele CA356428242.

ClinVar aggregate classification (germline): Uncertain significance (1 of 4 stars; one submission).

Allele frequency attached by ClinVar (database versions not stated): gnomAD exomes below 0.00001.
gnomAD v4.1: 3 of 1,277,084 alleles (0.00023%); highest among the groups gnomAD compares: Admixed American, 0.0075%; no homozygotes.

Submission:

Labcorp Genetics (formerly Invitae), Labcorp
Classification: Uncertain significance. Last evaluated: 2022-07-09. Review status: criteria provided, single submitter. Criteria: Invitae Variant Classification Sherloc (09022015). Collection method: clinical testing. Allele origin: germline.
Comment: In summary, the available evidence is currently insufficient to determine the role of this variant in disease. Therefore, it has been classified as a Variant of Uncertain Significance. Algorithms developed to predict the effect of missense changes on protein structure and function are either unavailable or do not agree on the potential impact of this missense change (SIFT: "Tolerated"; PolyPhen-2: "Possibly Damaging"; Align-GVGD: "Class C0"). This variant has not been reported in the literature in individuals affected with PROM1-related conditions. This variant is present in population databases (no rsID available, gnomAD 0.01%). This sequence change replaces serine, which is neutral and polar, with threonine, which is neutral and polar, at codon 732 of the PROM1 protein (p.Ser732Thr).